The following is an entry in ClinVar:

NM_020765.3(UBR4):c.11445C>T (p.Ser3815=)

Gene: UBR4 (ubiquitin protein ligase E3 component n-recognin 4; minus strand). Cytogenetic location: 1p36.13.
Variant type: single nucleotide variant.
Coding change: c.11445C>T on transcript NM_020765.3 (MANE Select); coding-DNA position 11445, C replaced by T.
Protein change: p.Ser3815=; no amino-acid change (serine 3815 retained).
Molecular consequence: synonymous variant.
Genome position (GRCh38, 1-based): chr1:19,113,711, G>A on the plus strand (C>T on the coding strand, the complement: UBR4 is on the minus strand). VCF-style: chr1-19113711-G-A. GRCh37 (hg19) VCF-style: chr1-19440205-G-A.
Identifiers: ClinVar variation 2638415 (VCV002638415.24), dbSNP rs747041102, ClinGen allele CA648973.

ClinVar aggregate classification (germline): Benign (1 of 4 stars; one submission).

Allele frequency attached by ClinVar (database versions not stated): ExAC 0.00002; gnomAD exomes 0.00003; TOPMed 0.00041; gnomAD 0.00046.
gnomAD v4.1: 121 of 1,614,036 alleles (0.0075%); highest among the groups gnomAD compares: Admixed American, 0.2%; 1 homozygote.

Submission:

CeGaT Center for Human Genetics Tuebingen
Classification: Benign. Last evaluated: 2022-05-01. Review status: criteria provided, single submitter. Criteria: CeGaT Center For Human Genetics Tuebingen Variant Classification Criteria Version 2. Collection method: clinical testing. Allele origin: germline. Affected: yes. Observed: 1 variant allele.
Comment: UBR4: BS1, BS2